The following is an entry in ClinVar:

ClinVar aggregate classification (germline): Uncertain significance (1 of 4 stars; one submission).

Conditions:
SDCCAG8-related disorder. Also called: SDCCAG8-related condition; SDCCAG8-Related Disorders.

gnomAD v4.1: 1 of 1,599,574 alleles (0.000063%); highest among the groups gnomAD compares: Middle Eastern, 0.017%; no homozygotes.

Submission:

PreventionGenetics, part of Exact Sciences
Classification: Uncertain significance for SDCCAG8-related condition. Last evaluated: 2026-09-17. Review status: criteria provided, single submitter. Criteria: ACMG Guidelines, 2015. Collection method: clinical testing. Allele origin: germline.
Comment: The SDCCAG8 c.306G>C variant is predicted to result in the amino acid substitution p.Leu102Phe. To our knowledge, this variant has not been reported in the literature or in a large population database (gnomAD), indicating this variant is rare. At this time, the clinical significance of this variant is uncertain due to the absence of conclusive functional and genetic evidence.

NM_006642.5(SDCCAG8):c.306G>C (p.Leu102Phe)

Gene: SDCCAG8 (SHH signaling and ciliogenesis regulator SDCCAG8; plus strand). Cytogenetic location: 1q43.
Variant type: single nucleotide variant.
Coding change: c.306G>C on transcript NM_006642.5 (MANE Select); coding-DNA position 306, G replaced by C.
Protein change: p.Leu102Phe; replaces leucine 102 with phenylalanine.
Molecular consequence: missense variant. On other transcripts: 5 prime UTR variant (3).
Genome position (GRCh38, 1-based): chr1:243,271,063, G>C. VCF-style: chr1-243271063-G-C. GRCh37 (hg19) VCF-style: chr1-243434365-G-C.
Other names: c.-807G>C (NM_001350246.2); c.-695G>C (NM_001350247.2); c.306G>C, p.Leu102Phe (NM_001350248.2); c.12G>C, p.Leu4Phe (NM_001350249.2); c.-1068G>C (NM_001350251.2); short protein forms L102F, L4F.
Identifiers: ClinVar variation 4987919 (VCV004987919.1).